The following is an entry in ClinVar:

NM_016816.4(OAS1):c.134G>A (p.Cys45Tyr)

Genes: OAS1 (2'-5'-oligoadenylate synthetase 1; plus strand), LOC130008812 (ATAC-STARR-seq lymphoblastoid active region 7052; plus strand). Cytogenetic location: 12q24.13.
Variant type: single nucleotide variant.
Coding change: c.134G>A on transcript NM_016816.4 (MANE Select); coding-DNA position 134, G replaced by A.
Protein change: p.Cys45Tyr; replaces cysteine 45 with tyrosine.
Molecular consequence: missense variant.
Genome position (GRCh38, 1-based): chr12:112,907,173, G>A. VCF-style: chr12-112907173-G-A. GRCh37 (hg19) VCF-style: chr12-113344978-G-A.
Other names: c.134G>A, p.Cys45Tyr (NM_001032409.3, NM_001320151.2, NM_001406020.1 and 11 more transcripts); short protein forms C45Y.
Identifiers: ClinVar variation 1909570 (VCV001909570.5), dbSNP rs763205404, ClinGen allele CA6799686.
Genomic context (GRCh38, chr12:112,907,173, plus strand): 5'-GTTTCCGCATGCAAATCAACCATGCCATTGACATCATCTGTGGGTTCCTGAAGGAAAGGT[G>A]CTTCCGAGGTAGCTCCTACCCTGTGTGTGTGTCCAAGGTGGTAAAGGTGAGTCCAGGCCT-3'
Protein context (NP_058132.2, residues 35-55): DIICGFLKER[Cys45Tyr]FRGSSYPVCV

ClinVar aggregate classification (germline): Uncertain significance (1 of 4 stars; one submission).

Allele frequency attached by ClinVar (database versions not stated): gnomAD exomes below 0.00001; ExAC 0.00001; gnomAD 0.00001; TOPMed 0.00001.

Submission:

Labcorp Genetics (formerly Invitae), Labcorp
Classification: Uncertain significance. Last evaluated: 2024-10-29. Review status: criteria provided, single submitter. Criteria: Invitae Variant Classification Sherloc (09022015). Collection method: clinical testing. Allele origin: germline.
Comment: This sequence change replaces cysteine, which is neutral and slightly polar, with tyrosine, which is neutral and polar, at codon 45 of the OAS1 protein (p.Cys45Tyr). This variant is present in population databases (rs763205404, gnomAD 0.0009%). This variant has not been reported in the literature in individuals affected with OAS1-related conditions. ClinVar contains an entry for this variant (Variation ID: 1909570). An algorithm developed to predict the effect of missense changes on protein structure and function (PolyPhen-2) suggests that this variant is likely to be disruptive. In summary, the available evidence is currently insufficient to determine the role of this variant in disease. Therefore, it has been classified as a Variant of Uncertain Significance.